The following is an entry in ClinVar:

ClinVar aggregate classification (germline): Uncertain significance. Review status: criteria provided, multiple submitters, no conflicts (2 of 4 stars). 4 submissions from 4 submitters: Uncertain significance (4). Last evaluated 2025-06-17.

Conditions:
RYR1-related disorder. Also called: RYR1-related condition; RYR1-related disorders. Identifiers: MedGen CN239331.
Malignant hyperthermia, susceptibility to, 1 (MHS1). Also called: Malignant hyperthermia suceptibility 1; Anesthesia related hyperthermia; Malignant hyperpyrexia; Fulminating hyperpyrexia; Pharmacogenic myopathy; RYR1-Related Malignant Hyperthermia Susceptibility. Identifiers: Orphanet 423, MedGen C2930980, MONDO:0007783, OMIM 145600.

Allele frequency attached by ClinVar (database versions not stated): TOPMed below 0.00001; gnomAD 0.00001; gnomAD exomes 0.00001; ExAC 0.00003; 1000 Genomes Project 30x 0.00016; 1000 Genomes Project 0.00020.
gnomAD v4.1: 25 of 1,614,004 alleles (0.0015%); highest among the groups gnomAD compares: East Asian, 0.0022%; no homozygotes.

Submissions (4):

Color Diagnostics, LLC DBA Color Health
Classification: Uncertain significance for Malignant hyperthermia, susceptibility to, 1. Last evaluated: 2025-06-17. Review status: criteria provided, single submitter. Criteria: ACMG Guidelines, 2015. Collection method: clinical testing. Allele origin: germline.
Comment: This missense variant replaces glycine with serine at codon 714 of the RYR1 protein. Computational prediction is inconclusive regarding the impact of this variant on protein structure and function. To our knowledge, functional studies have not been reported for this variant. This variant has not been reported in individuals affected with RYR1-related disorders in the literature. This variant has been identified in 4/247062 chromosomes in the general population by the Genome Aggregation Database (gnomAD). The available evidence is insufficient to determine the role of this variant in disease conclusively. Therefore, this variant is classified as a Variant of Uncertain Significance.

Labcorp Genetics (formerly Invitae), Labcorp
Classification: Uncertain significance for RYR1-related disorder. Last evaluated: 2025-06-02. Review status: criteria provided, single submitter. Criteria: Invitae Variant Classification Sherloc (09022015). Collection method: clinical testing. Allele origin: germline.
Comment: This sequence change replaces glycine, which is neutral and non-polar, with serine, which is neutral and polar, at codon 714 of the RYR1 protein (p.Gly714Ser). This variant is present in population databases (rs555272546, gnomAD 0.004%). This variant has not been reported in the literature in individuals affected with RYR1-related conditions. ClinVar contains an entry for this variant (Variation ID: 1949477). Invitae Evidence Modeling of protein sequence and biophysical properties (such as structural, functional, and spatial information, amino acid conservation, physicochemical variation, residue mobility, and thermodynamic stability) indicates that this missense variant is not expected to disrupt RYR1 protein function with a negative predictive value of 95%. In summary, the available evidence is currently insufficient to determine the role of this variant in disease. Therefore, it has been classified as a Variant of Uncertain Significance.

GeneDx
Classification: Uncertain significance. Last evaluated: 2025-03-22. Review status: criteria provided, single submitter. Criteria: GeneDx Variant Classification Process June 2021. Collection method: clinical testing. Allele origin: germline. Affected: yes.
Comment: Not observed at significant frequency in large population cohorts (gnomAD); In silico analysis supports that this missense variant has a deleterious effect on protein structure/function; Has not been previously published as pathogenic or benign to our knowledge

All of Us Research Program, National Institutes of Health
Classification: Uncertain significance for Malignant hyperthermia, susceptibility to, 1. Last evaluated: 2024-05-17. Review status: criteria provided, single submitter. Criteria: ACMG Guidelines, 2015. Collection method: clinical testing. Allele origin: germline. Inheritance: Autosomal dominant inheritance. Observed: 2 variant alleles, 2 heterozygotes.
Comment: This study involves interpretation of variants in research participants for the purpose of population health screening. Participant phenotype was not available at the time of variant classification. Additional details can be found in publication PMID: 35346344, PMCID: PMC8962531

NM_000540.3(RYR1):c.2140G>A (p.Gly714Ser)

Gene: RYR1 (ryanodine receptor 1; plus strand). Cytogenetic location: 19q13.2.
Variant type: single nucleotide variant.
Coding change: c.2140G>A on transcript NM_000540.3 (MANE Select); coding-DNA position 2140, G replaced by A.
Protein change: p.Gly714Ser; replaces glycine 714 with serine.
Molecular consequence: missense variant.
Genome position (GRCh38, 1-based): chr19:38,458,265, G>A. VCF-style: chr19-38458265-G-A. GRCh37 (hg19) VCF-style: chr19-38948905-G-A.
Other names: c.2140G>A, p.Gly714Ser (NM_001042723.2); short protein forms G714S.
Identifiers: ClinVar variation 1949477 (VCV001949477.7), dbSNP rs555272546, ClinGen allele CA062887.